The following is an entry in ClinVar:

NM_001927.4(DES):c.736-8C>A

Gene: DES (desmin; plus strand). Cytogenetic location: 2q35.
Variant type: single nucleotide variant.
Coding change: c.736-8C>A on transcript NM_001927.4 (MANE Select); 8 bases into the intron before coding-DNA position 736, C replaced by A.
Molecular consequence: intron variant.
Genome position (GRCh38, 1-based): chr2:219,420,487, C>A. VCF-style: chr2-219420487-C-A. GRCh37 (hg19) VCF-style: chr2-220285209-C-A.
Identifiers: ClinVar variation 418721 (VCV000418721.26), dbSNP rs140375681, ClinGen allele CA2125152.

ClinVar aggregate classification (germline): Conflicting classifications of pathogenicity. Review status: criteria provided, conflicting classifications (1 of 4 stars). 8 submissions from 8 submitters: Uncertain significance (4); Benign (1); Likely benign (3). Last evaluated 2025-12-26.

Conditions:
DES-related disorder. Also called: DES-related condition.
Desmin-related myofibrillar myopathy (MFM1). Also called: Desmin related myopathy (former name); Desmin storage myopathy (former name); Desminopathy; MYOFIBRILLAR MYOPATHY WITH ARRHYTHMOGENIC RIGHT VENTRICULAR CARDIOMYOPATHY; DESMIN-RELATED MYOPATHY WITH ARRHYTHMOGENIC RIGHT VENTRICULAR CARDIOMYOPATHY; Myofibrillar myopathy 1. Identifiers: Orphanet 363543, Orphanet 98909, MedGen C1832370, MONDO:0011076, OMIM 601419.
Cardiomyopathy (CMYO). Also called: Cardiomyopathies. Identifiers: Orphanet 167848, MedGen C0878544, MONDO:0004994, HP:0001638. Inheritance: Various modes of inheritance.

Allele frequency attached by ClinVar (database versions not stated): ExAC 0.00006; TOPMed 0.00030; ESP Exome Variant Server 0.00031; 1000 Genomes Project 30x 0.00078; 1000 Genomes Project 0.00100; gnomAD 0.00021 and 0.00023.
gnomAD v4.1: 90 of 1,613,886 alleles (0.0056%); highest among the groups gnomAD compares: African/African-American, 0.11%; no homozygotes.

Submissions (8):

Labcorp Genetics (formerly Invitae), Labcorp
Classification: Likely benign for Desmin-related myofibrillar myopathy. Last evaluated: 2025-12-26. Review status: criteria provided, single submitter. Criteria: Invitae Variant Classification Sherloc (09022015). Collection method: clinical testing. Allele origin: germline.

PreventionGenetics, part of Exact Sciences
Classification: Uncertain significance for DES-related condition. Last evaluated: 2025-12-22. Review status: criteria provided, single submitter. Criteria: ACMG Guidelines, 2015. Collection method: clinical testing. Allele origin: germline.
Comment: The DES c.736-8C>A variant is predicted to interfere with splicing. This variant is predicted to impact splicing based on splicing prediction programs (SpliceAI, Jaganathan K, et al. 2019. PubMed ID: 30661751). However, the use of computer prediction programs is not equivalent to functional evidence. To our knowledge, this variant has not been reported in the literature. This variant is reported in 0.064% of alleles in individuals of African descent in gnomAD and has conflicting interpretations regarding its pathogenicity in ClinVar, ranging from benign to uncertain (Variation ID: 418721). Although we suspect that this variant may be benign, at this time, the clinical significance of this variant is uncertain due to the absence of conclusive functional and genetic evidence.

GeneDx
Classification: Uncertain significance. Last evaluated: 2025-03-18. Review status: criteria provided, single submitter. Criteria: GeneDx Variant Classification Process June 2021. Collection method: clinical testing. Allele origin: germline. Affected: yes.
Comment: Has not been previously published as pathogenic or benign to our knowledge; Located in a region that tolerates variation and lacks pathogenic variants; In silico analysis suggests this variant may impact gene splicing. In the absence of RNA/functional studies, the actual effect of this sequence change is unknown.

Athena Diagnostics
Classification: Uncertain significance. Last evaluated: 2025-01-03. Review status: criteria provided, single submitter. Criteria: Athena Diagnostics Criteria. Collection method: clinical testing. Allele origin: unknown.
Comment: Available data are insufficient to determine the clinical significance of the variant at this time. The frequency of this variant in the general population is uninformative in assessment of its pathogenicity. Computational tools yielded predictions that this variant may interfere with normal RNA splicing.

Women's Health and Genetics/Laboratory Corporation of America, LabCorp
Classification: Benign. Last evaluated: 2022-08-15. Review status: criteria provided, single submitter. Criteria: LabCorp Variant Classification Summary - May 2015. Collection method: clinical testing. Allele origin: germline.

CHEO Genetics Diagnostic Laboratory, Children's Hospital of Eastern Ontario
Classification: Likely benign for Cardiomyopathy. Last evaluated: 2021-09-23. Review status: criteria provided, single submitter. Criteria: ACMG Guidelines, 2015. Collection method: clinical testing. Allele origin: germline.

Laboratory for Molecular Medicine, Mass General Brigham Personalized Medicine
Classification: Likely benign. Last evaluated: 2019-01-18. Review status: criteria provided, single submitter. Criteria: LMM Criteria. Collection method: clinical testing. Allele origin: germline. Observed: 1 variant allele.
Comment: proposed classification - variant undergoing re-assessment, contact laboratory

Eurofins Ntd Llc (ga)
Classification: Uncertain significance. Last evaluated: 2018-02-13. Review status: criteria provided, single submitter. Criteria: EGL ClinVar v180209 classification definitions. Collection method: clinical testing. Allele origin: germline. Observed: 1 variant allele, 1 heterozygote.